The following is an entry in ClinVar:

NM_004484.4(GPC3):c.1636G>A (p.Asp546Asn)

Gene: GPC3 (glypican 3; minus strand). Cytogenetic location: Xq26.2.
Variant type: single nucleotide variant.
Coding change: c.1636G>A on transcript NM_004484.4 (MANE Select); coding-DNA position 1636, G replaced by A.
Protein change: p.Asp546Asn; replaces aspartic acid 546 with asparagine.
Molecular consequence: missense variant.
Genome position (GRCh38, 1-based): chrX:133,536,231, C>T on the plus strand (G>A on the coding strand, the complement: GPC3 is on the minus strand). VCF-style: chrX-133536231-C-T. GRCh37 (hg19) VCF-style: chrX-132670259-C-T.
Other names: c.1705G>A, p.Asp569Asn (NM_001164617.2); c.1588G>A, p.Asp530Asn (NM_001164618.2); c.1474G>A, p.Asp492Asn (NM_001164619.2); short protein forms D492N, D546N, D569N, D530N.
Identifiers: ClinVar variation 844697 (VCV000844697.9), dbSNP rs2069289779, ClinGen allele CA414703034.

ClinVar aggregate classification (germline): Uncertain significance (1 of 4 stars; one submission).

Conditions:
Wilms tumor 1 (WT1). Also called: Wilms tumor, somatic. Identifiers: Orphanet 654, MedGen CN033288, MONDO:0008679, OMIM 194070.

Submission:

Labcorp Genetics (formerly Invitae), Labcorp
Classification: Uncertain significance for Wilms tumor 1. Last evaluated: 2023-10-10. Review status: criteria provided, single submitter. Criteria: Invitae Variant Classification Sherloc (09022015). Collection method: clinical testing. Allele origin: germline.
Comment: This sequence change replaces aspartic acid, which is acidic and polar, with asparagine, which is neutral and polar, at codon 546 of the GPC3 protein (p.Asp546Asn). This variant is not present in population databases (gnomAD no frequency). This variant has not been reported in the literature in individuals affected with GPC3-related conditions. ClinVar contains an entry for this variant (Variation ID: 844697). An algorithm developed to predict the effect of missense changes on protein structure and function (PolyPhen-2) suggests that this variant is likely to be tolerated. In summary, the available evidence is currently insufficient to determine the role of this variant in disease. Therefore, it has been classified as a Variant of Uncertain Significance.